The following is an entry in ClinVar:

ClinVar aggregate classification (germline): Uncertain significance (1 of 4 stars; one submission).

Conditions:
Jeune thoracic dystrophy. Also called: Short-rib thoracic dysplasia; Jeune syndrome; Infantile thoracic dystrophy; Thoracic pelvic phalangeal dystrophy; Jeune's syndrome; Chondroectodermal dysplasia-like syndrome. Identifiers: Orphanet 474, MedGen C0265275, MONDO:0018770.

Allele frequency attached by ClinVar (database versions not stated): TOPMed below 0.00001; gnomAD 0.00001; ExAC 0.00002.

Submission:

Labcorp Genetics (formerly Invitae), Labcorp
Classification: Uncertain significance for Jeune thoracic dystrophy. Last evaluated: 2023-12-24. Review status: criteria provided, single submitter. Criteria: Invitae Variant Classification Sherloc (09022015). Collection method: clinical testing. Allele origin: germline.
Comment: This sequence change replaces glutamic acid, which is acidic and polar, with glycine, which is neutral and non-polar, at codon 1147 of the DYNC2H1 protein (p.Glu1147Gly). The frequency data for this variant in the population databases is considered unreliable, as metrics indicate poor data quality at this position in the gnomAD database. This variant has not been reported in the literature in individuals affected with DYNC2H1-related conditions. Advanced modeling of protein sequence and biophysical properties (such as structural, functional, and spatial information, amino acid conservation, physicochemical variation, residue mobility, and thermodynamic stability) performed at Invitae indicates that this missense variant is expected to disrupt DYNC2H1 protein function with a positive predictive value of 95%. In summary, the available evidence is currently insufficient to determine the role of this variant in disease. Therefore, it has been classified as a Variant of Uncertain Significance.

NM_001377.3(DYNC2H1):c.3440A>G (p.Glu1147Gly)

Gene: DYNC2H1 (dynein cytoplasmic 2 heavy chain 1; plus strand). Cytogenetic location: 11q22.3.
Variant type: single nucleotide variant.
Coding change: c.3440A>G on transcript NM_001377.3 (MANE Select); coding-DNA position 3440, A replaced by G.
Protein change: p.Glu1147Gly; replaces glutamic acid 1147 with glycine.
Molecular consequence: missense variant.
Genome position (GRCh38, 1-based): chr11:103,154,588, A>G. VCF-style: chr11-103154588-A-G. GRCh37 (hg19) VCF-style: chr11-103025317-A-G.
Other names: c.3440A>G, p.Glu1147Gly (NM_001080463.2); short protein forms E1147G.
Identifiers: ClinVar variation 3004441 (VCV003004441.3), dbSNP rs750795839, ClinGen allele CA6253316.